The following is an entry in ClinVar:

ClinVar aggregate classification (germline): Benign. Review status: criteria provided, multiple submitters, no conflicts (2 of 4 stars). 4 submissions from 4 submitters: Benign (4). Last evaluated 2026-02-04.

Conditions:
Retinitis pigmentosa (RP). Identifiers: Orphanet 791, MedGen C0035334, MeSH D012174, MONDO:0019200, OMIM 268000. Inheritance: Autosomal dominant, autosomal recessive and X linked inheritance.

Allele frequency attached by ClinVar (database versions not stated): 1000 Genomes Project 30x 0.03716; 1000 Genomes Project 0.03874; TOPMed 0.05154; gnomAD 0.05795 and 0.05812; ESP Exome Variant Server 0.06142; ExAC 0.06588; gnomAD exomes 0.06592 and 0.08038.
gnomAD v4.1: 125,842 of 1,613,988 alleles (7.8%); highest among the groups gnomAD compares: South Asian, 8.8%; 5,539 homozygotes.

Submissions (4):

Labcorp Genetics (formerly Invitae), Labcorp
Classification: Benign. Last evaluated: 2026-02-04. Review status: criteria provided, single submitter. Criteria: Invitae Variant Classification Sherloc (09022015). Collection method: clinical testing. Allele origin: germline.

Illumina Laboratory Services, Illumina
Classification: Benign for Retinitis pigmentosa. Last evaluated: 2018-01-13. Review status: criteria provided, single submitter. Criteria: ICSL Variant Classification Criteria 13 December 2019. Collection method: clinical testing. Allele origin: germline.
Comment: This variant was observed in the ICSL laboratory as part of a predisposition screen in an ostensibly healthy population. It had not been previously curated by ICSL or reported in the Human Gene Mutation Database (HGMD: prior to June 1st, 2018), and was therefore a candidate for classification through an automated scoring system. Utilizing variant allele frequency, disease prevalence and penetrance estimates, and inheritance mode, an automated score was calculated to assess if this variant is too frequent to cause the disease. Based on the score and internal cut-off values, a variant classified as benign is not then subjected to further curation. The score for this variant resulted in a classification of benign for this disease.

GeneDx
Classification: Benign. Last evaluated: 2015-03-03. Review status: criteria provided, single submitter. Criteria: GeneDx Variant Classification Process June 2021. Collection method: clinical testing. Allele origin: germline. Affected: yes.

Breakthrough Genomics
Classification: Benign. Review status: criteria provided, single submitter. Criteria: ACMG Guidelines, 2015. Collection method: not provided. Allele origin: germline. Inheritance: Unknown mechanism. Affected: yes.

NM_001379270.1(CNGA1):c.1620C>T (p.Phe540=)

Genes: CNGA1 (cyclic nucleotide gated channel subunit alpha 1; minus strand), LOC101927157 (uncharacterized LOC101927157; plus strand). Cytogenetic location: 4p12.
Variant type: single nucleotide variant.
Coding change: c.1620C>T on transcript NM_001379270.1 (MANE Select); coding-DNA position 1620, C replaced by T.
Protein change: p.Phe540=; no amino-acid change (phenylalanine 540 retained).
Molecular consequence: synonymous variant.
Genome position (GRCh38, 1-based): chr4:47,936,862, G>A on the plus strand (C>T on the coding strand, the complement: CNGA1 is on the minus strand). VCF-style: chr4-47936862-G-A. GRCh37 (hg19) VCF-style: chr4-47938879-G-A.
Other names: c.1620C>T, p.Phe540= (NM_000087.5, NM_001142564.2).
Identifiers: ClinVar variation 348836 (VCV000348836.15), dbSNP rs17573673, ClinGen allele CA2911041.